The following is an entry in ClinVar:

ClinVar aggregate classification (germline): Pathogenic (1 of 4 stars; one submission).

Conditions:
Retinitis pigmentosa (RP). Identifiers: Orphanet 791, MedGen C0035334, MeSH D012174, MONDO:0019200, OMIM 268000. Inheritance: Autosomal dominant, autosomal recessive and X linked inheritance.

Submission:

Genetics Research Center, University of Social Welfare and Rehabilitation Sciences
Classification: Pathogenic for Retinitis pigmentosa. Last evaluated: 2015-01-01. Review status: criteria provided, single submitter. Criteria: Submitter's publication. Collection method: research. Allele origin: germline. Affected: yes. Observed: 4 variant alleles. Study: Retinitis Pigmentosa.
Comment: Identification of disease-causing mutations in Iranian patients with autosomal recessive retinitis pigmentosa

NM_201253.3(CRB1):c.1459dup (p.Ser487fs)

Gene: CRB1 (crumbs cell polarity complex component 1; plus strand). Cytogenetic location: 1q31.3.
Variant type: Duplication.
Coding change: c.1459dup on transcript NM_201253.3 (MANE Select); coding-DNA position 1459, one base duplicated (T; older notation c.1459dupT).
Protein change: p.Ser487fs; shifts the reading frame from serine 487.
Molecular consequence: frameshift variant. On other transcripts: non-coding transcript variant (2).
Genome position (GRCh38, 1-based): chr1:197,421,287, T duplicated; the last of 3 consecutive T bases (chr1:197,421,285-197,421,287); duplicating any one gives the same sequence. VCF-style (leftmost placement, unchanged base first): chr1-197421284-C-CT. GRCh37 (hg19) VCF-style: chr1-197390414-C-CT.
Other names: c.1123dup, p.Ser375fs (NM_001193640.2); c.1252dup, p.Ser418fs (NM_001257965.2); c.1459dup, p.Ser487fs (NM_001257966.2); short protein forms S487fs, S375fs, S418fs.
Identifiers: ClinVar variation 191358 (VCV000191358.2), dbSNP rs863223342, ClinGen allele CA279286.